The following is an entry in ClinVar:

NM_001009944.3(PKD1):c.856_862del (p.Ser286_Gly287insTer)

Gene: PKD1 (polycystin 1, transient receptor potential channel interacting; minus strand). Cytogenetic location: 16p13.3.
Variant type: Microsatellite.
Coding change: c.856_862del on transcript NM_001009944.3 (MANE Select); coding-DNA positions 856 to 862, 7 bases deleted (TCTGGCC; older notation c.856_862delTCTGGCC).
Protein change: p.Ser286_Gly287insTer.
Molecular consequence: frameshift variant.
Genome position (GRCh38, 1-based): chr16:2,118,130-2,118,136, GGCCAGA deleted on the plus strand (TCTGGCC on the coding strand, the reverse complement: PKD1 is on the minus strand); deleting any 7 consecutive bases within chr16:2,118,130-2,118,145 gives the same sequence; the c. name uses the placement nearest the transcript's 3' end. VCF-style (leftmost placement, unchanged base first): chr16-2118129-TGGCCAGA-T. GRCh37 (hg19) VCF-style: chr16-2168130-TGGCCAGA-T.
Other names: c.856_862del, p.Ser286_Gly287insTer (NM_000296.4); c.856_862delTCTGGCC (NM_001009944.3, NM_001009944.2).
Identifiers: ClinVar variation 448020 (VCV000448020.22), dbSNP rs1555459108, ClinGen allele CA658658360.

ClinVar aggregate classification (germline): Pathogenic. Review status: criteria provided, multiple submitters, no conflicts (2 of 4 stars). 15 submissions from 15 submitters: Pathogenic (14). 1 of the submissions does not count toward it. Last evaluated 2026-05-24.

Conditions:
Autosomal dominant polycystic kidney disease. Identifiers: Orphanet 730, MedGen C0085413, MONDO:0004691.
PKD1-related disorder. Also called: PKD1-related condition.
Polycystic kidney disease. Also called: Kidney, Polycystic; Polycystic kidney dysplasia. Identifiers: MedGen C0022680, MeSH D007690, MONDO:0020642, HP:0000113.
Polycystic kidney disease, adult type (PKD1). Also called: Polycystic Kidney Disease 1, Autosomal Dominant; Polycystic kidney disease 1; Polycystic kidney disease 1, severe; POLYCYSTIC KIDNEY DISEASE 1 WITH OR WITHOUT POLYCYSTIC LIVER DISEASE; POLYCYSTIC KIDNEY DISEASE, ADULT, TYPE I; Polycystic Kidney, Autosomal Dominant. Identifiers: MedGen C3149841, MONDO:0008263, OMIM 173900.

Submissions (15):

PreventionGenetics, part of Exact Sciences
Classification: Pathogenic for PKD1-related condition. Last evaluated: 2026-05-24. Review status: criteria provided, single submitter. Criteria: ACMG Guidelines, 2015. Collection method: clinical testing. Allele origin: germline.
Comment: The PKD1 c.856_862del7 variant is predicted to result in premature protein termination (p.Gly287*). This variant has been reported to be pathogenic for autosomal dominant polycystic kidney disease (ADPKD) (see for example, O'Brien et al. 2012. PubMed ID: 21694639; Bitarafan et al. 2019. PubMed ID: 31160911). This variant has not been reported in a large population database (gnomAD), indicating this variant is rare. Nonsense variants in PKD1 are expected to be pathogenic. This variant is interpreted as pathogenic.

Medical and Scientific Branch, Hong Kong Genome Institute
Classification: Pathogenic for Polycystic kidney disease, adult type. Last evaluated: 2026-01-26. Review status: criteria provided, single submitter. Criteria: ACMG Guidelines, 2015. Collection method: clinical testing. Allele origin: unknown. Affected: yes.

Women's Health and Genetics/Laboratory Corporation of America, LabCorp
Classification: Pathogenic for Polycystic kidney disease, adult type. Last evaluated: 2025-10-01. Review status: criteria provided, single submitter. Criteria: LabCorp Variant Classification Summary - May 2015. Collection method: clinical testing. Allele origin: germline.
Comment: Variant summary: PKD1 c.856_862delTCTGGCC (p.Gly287X) results in a premature termination codon, predicted to cause a truncation of the encoded protein or absence of the protein due to nonsense mediated decay, which are commonly known mechanisms for disease. The frequency data for this variant in gnomAD is considered unreliable, as metrics indicate poor data quality at this position. c.856_862delTCTGGCC has been observed in individuals affected with Polycystic Kidney Disease 1 (e.g., Domingo-Gallego_2022). The following publication has been ascertained in the context of this evaluation (PMID: 33532864). ClinVar contains an entry for this variant (Variation ID: 448020). Based on the evidence outlined above, the variant was classified as pathogenic.

Blueprint Genetics
Classification: Pathogenic for PKD1-related disorders. Last evaluated: 2024-11-26. Review status: criteria provided, single submitter. Criteria: ACMG Guidelines, 2015. Collection method: clinical testing. Allele origin: germline. Affected: yes. Observed: 5 variant alleles.

Molecular Genetics, Royal Melbourne Hospital
Classification: Pathogenic for Autosomal dominant polycystic kidney disease. Last evaluated: 2024-08-05. Review status: criteria provided, single submitter. Criteria: ACMG Guidelines, 2015. Collection method: clinical testing. Allele origin: germline. Inheritance: Autosomal dominant inheritance. Affected: yes.
Comment: This sequence change in PKD1 is a frameshift variant predicted to create a premature stop codon, p.(Gly287*), in biologically relevant exon 5/46 leading to nonsense-mediated decay in a gene in which loss-of-function is an established disease mechanism (PMID: 20301424). This variant is absent from the population database gnomAD v4.1. This variant has been reported in multiple individuals with autosomal dominant polycystic kidney disease (ADPKD) and segregates with ADPKD in at least one family (PMID: 30333007, 21694639). Based on the classification scheme RMH Modified ACMG/AMP Guidelines v1.7.0, this variant is classified as PATHOGENIC. Following criteria are met: PVS1, PP1_Moderate, PM2_Supporting, PS4_Supporting.

Fulgent Genetics
Classification: Pathogenic for Polycystic kidney disease, adult type. Last evaluated: 2024-05-24. Review status: criteria provided, single submitter. Criteria: ACMG Guidelines, 2015. Collection method: clinical testing. Allele origin: germline.

Victorian Clinical Genetics Services, Murdoch Childrens Research Institute
Classification: Pathogenic for Polycystic kidney disease, adult type. Last evaluated: 2023-07-17. Review status: criteria provided, single submitter. Criteria: ACMG Guidelines, 2015. Collection method: clinical testing. Allele origin: germline. Inheritance: Autosomal dominant inheritance. Affected: yes.
Comment: Based on the classification scheme VCGS_Germline_v1.3.4, this variant is classified as Pathogenic. Following criteria are met: 0102 - Loss of function is a known mechanism of disease in this gene and is associated with polycystic kidney disease 1 (MIM#173900). (I) 0107 - This gene is associated with autosomal dominant disease. Polycystic kidney disease 1 (MIM#173900) is predominantly caused by monoallelic variants, with rare reports of biallelic variants causing disease (OMIM). (I) 0201 - Variant is predicted to cause nonsense-mediated decay (NMD) and loss of protein (premature termination codon is located at least 54 nucleotides upstream of the final exon-exon junction). (SP) 0251 - This variant is heterozygous. (I) 0301 - Variant is absent from gnomAD (both v2 and v3). (SP) 0701 - Other NMD predicted variants comparable to the one identified in this case have very strong previous evidence for pathogenicity (DECIPHER). (SP) 0801 - This variant has strong previous evidence of pathogenicity in unrelated individuals. This variant has been classified as pathogenic by mulitple clinical laboratories in ClinVar. (SP) 1208 - Inheritance information for this variant is not currently available in this individual. (I) Legend: (SP) - Supporting pathogenic, (I) - Information, (SB) - Supporting benign

Clinical Genetics Laboratory, Skane University Hospital Lund
Classification: Pathogenic. Last evaluated: 2022-05-27. Review status: criteria provided, single submitter. Criteria: ACMG Guidelines, 2015. Collection method: clinical testing. Allele origin: germline. Affected: yes.

GeneDx
Classification: Pathogenic. Last evaluated: 2021-12-22. Review status: criteria provided, single submitter. Criteria: GeneDx Variant Classification Process June 2021. Collection method: clinical testing. Allele origin: germline. Affected: yes.
Comment: Nonsense variant predicted to result in protein truncation or nonsense mediated decay in a gene for which loss-of-function is a known mechanism of disease; Not observed in large population cohorts (gnomAD); This variant is associated with the following publications: (PMID: 33168999, 30816285, 33437033, 21694639, 30333007, 31160911, 31740684, 22508176, 27499327, 33532864)

Molecular Biology Laboratory, Fundació Puigvert
Classification: Pathogenic for Polycystic kidney disease, adult type. Last evaluated: 2020-02-01. Review status: criteria provided, single submitter. Criteria: ACMG Guidelines, 2015. Collection method: research. Allele origin: germline. Affected: yes. Study: KidneyPanel_2020.

Centre for Mendelian Genomics, University Medical Centre Ljubljana
Classification: Pathogenic for Polycystic kidney disease, adult type. Last evaluated: 2019-05-31. Review status: criteria provided, single submitter. Criteria: ACMG Guidelines, 2015. Collection method: clinical testing. Allele origin: unknown. Affected: yes.
Comment: This variant was classified as: Pathogenic. The following ACMG criteria were applied in classifying this variant: PVS1,PM2,PP5.

Molecular Genetics of Inherited Kidney Disorders Laboratory, Garvan Institute of Medical Research
Classification: Pathogenic. Last evaluated: 2019-01-01. Review status: criteria provided, single submitter. Criteria: ACMG Guidelines, 2015. Collection method: clinical testing. Allele origin: germline. Affected: yes. Observed: 2 variant alleles.

Athena Diagnostics
Classification: Pathogenic. Last evaluated: 2016-09-30. Review status: criteria provided, single submitter. Criteria: Athena Diagnostics Criteria. Collection method: clinical testing. Allele origin: germline.

Juno Genomics, Hangzhou Juno Genomics, Inc
Classification: Pathogenic for Polycystic kidney disease, adult type. Review status: criteria provided, single submitter. Criteria: ACMG Guidelines, 2015. Collection method: clinical testing. Allele origin: germline. Affected: yes.
Comment: Null variant in a gene where loss of function (LOF) is a known mechanism of disease.;Absent from controls (or at extremely low frequency if recessive) in Genome Aggregation Database, Exome Sequencing Project, 1000 Genomes Project, or Exome Aggregation Consortium.;Patient's phenotype or family history is highly specific for a disease with a single genetic etiology.;The prevalence of the variant in affected individuals is significantly increased compared to the prevalence in controls.;Co-segregation with disease in multiple affected family members in a gene definitively known to cause the disease.

Department of Pathology and Laboratory Medicine, Sinai Health System
Classification: Pathogenic for Polycystic Kidney disease. Review status: no assertion criteria provided. Collection method: clinical testing. Allele origin: unknown. Affected: yes. Study: The Canadian Open Genetics Repository (COGR). Not counted in ClinVar's aggregate classification.
Comment: The PKD1 p.Gly287* variant was identified in 7 of 2014 proband chromosomes (frequency: 0.003) from individuals or families with ADPKD and congenital hepatic fibrosis (CHF) (Audrezet 2012, O'Brien 2012, Hwang 2016). The variant was also identified in the following databases: LOVD 3.0 (1x as "affects function") and ADPKD Mutation Database (6x as definitely pathogenic). The variant was not identified in dbSNP, ClinVar, or PKD1-LOVD. The variant was not identified in the 1000 Genomes Project, the NHLBI GO Exome Sequencing Project or the Exome Aggregation Consortium (August 8th 2016). The c.856_862del variant is predicted to cause a frameshift, which alters the protein amino acid sequence beginning at codon 287 and leads to a premature stop codon 1 codon downstream. This alteration is then predicted to result in a truncated or absent protein and loss of function. Loss of function variants of the PKD1 gene are an established mechanism of disease in ADPKD and is the type of variant expected to cause the disorder. In summary, based on the above information this variant meets our laboratoryâ€šÃ„Ã´s criteria to be classified as pathogenic.

Literature cited by the submitters: PubMed 33532864 (cited by Women's Health and Genetics/Laboratory Corporation of America, LabCorp and Molecular Biology Laboratory, Fundació Puigvert); PubMed 20301424 (cited by Molecular Genetics, Royal Melbourne Hospital); PubMed 21694639 (cited by Molecular Genetics, Royal Melbourne Hospital and Athena Diagnostics); PubMed 30333007 (cited by Molecular Genetics, Royal Melbourne Hospital); PubMed 27499327 (cited by Athena Diagnostics); PubMed 22508176 (cited by Athena Diagnostics).